The following is an entry in ClinVar:

ClinVar aggregate classification (germline): Likely pathogenic (1 of 4 stars; one submission).

Submission:

GeneDx
Classification: Likely pathogenic. Last evaluated: 2025-07-15. Review status: criteria provided, single submitter. Criteria: GeneDx Variant Classification Process June 2021. Collection method: clinical testing. Allele origin: germline. Affected: yes.
Comment: Alters the last nucleotide of the exon and is predicted to destroy the splice donor site and result in aberrant splicing, although in the absence of functional evidence the actual effect of this sequence change is unknown; In silico analysis suggests that this missense variant does not alter protein structure/function; Not observed at significant frequency in large population cohorts (gnomAD); Has not been previously published as pathogenic or benign to our knowledge

NM_001375524.1(TRRAP):c.10753G>T (p.Val3585Leu)

Gene: TRRAP (transformation/transcription domain associated protein; plus strand). Cytogenetic location: 7q22.1.
Variant type: single nucleotide variant.
Coding change: c.10753G>T on transcript NM_001375524.1 (MANE Select); coding-DNA position 10753, G replaced by T.
Protein change: p.Val3585Leu; replaces valine 3585 with leucine.
Molecular consequence: missense variant.
Genome position (GRCh38, 1-based): chr7:99,005,348, G>T. VCF-style: chr7-99005348-G-T. GRCh37 (hg19) VCF-style: chr7-98602971-G-T.
Other names: c.10711G>T, p.Val3571Leu (NM_001244580.2); c.10624G>T, p.Val3542Leu (NM_003496.4); short protein forms V3542L, V3571L, V3585L.
Identifiers: ClinVar variation 4686161 (VCV004686161.1).